The following is an entry in ClinVar:

NM_006172.4(NPPA):c.103G>A (p.Ala35Thr)

Genes: NPPA (natriuretic peptide A; minus strand), NPPA-AS1 (NPPA antisense RNA 1; plus strand), LOC114827827 (VISTA enhancer hs2123; plus strand). Cytogenetic location: 1p36.22.
Variant type: single nucleotide variant.
Coding change: c.103G>A on transcript NM_006172.4 (MANE Select); coding-DNA position 103, G replaced by A.
Protein change: p.Ala35Thr; replaces alanine 35 with threonine.
Molecular consequence: missense variant. On other transcripts: non-coding transcript variant (1).
Genome position (GRCh38, 1-based): chr1:11,847,582, C>T on the plus strand (G>A on the coding strand, the complement: NPPA is on the minus strand). VCF-style: chr1-11847582-C-T. GRCh37 (hg19) VCF-style: chr1-11907639-C-T.
Other names: short protein forms A35T.
Identifiers: ClinVar variation 938596 (VCV000938596.10), dbSNP rs202145205, ClinGen allele CA597107.

ClinVar aggregate classification (germline): Uncertain significance. Review status: criteria provided, multiple submitters, no conflicts (2 of 4 stars). 2 submissions from 2 submitters: Uncertain significance (2). Last evaluated 2025-12-23.

Conditions:
NPPA-related disorder. Also called: NPPA-related condition.
Atrial fibrillation, familial, 6 (ATFB6). Identifiers: MedGen C2677294, MONDO:0012816, OMIM 612201.

Allele frequency attached by ClinVar (database versions not stated): gnomAD 0.00001; ExAC 0.00002; TOPMed 0.00003; gnomAD exomes 0.00004.
gnomAD v4.1: 108 of 1,614,048 alleles (0.0067%); highest among the groups gnomAD compares: South Asian, 0.027%; no homozygotes.

Submissions (2):

Labcorp Genetics (formerly Invitae), Labcorp
Classification: Uncertain significance for Atrial fibrillation, familial, 6. Last evaluated: 2025-12-23. Review status: criteria provided, single submitter. Criteria: Invitae Variant Classification Sherloc (09022015). Collection method: clinical testing. Allele origin: germline.
Comment: This sequence change replaces alanine, which is neutral and non-polar, with threonine, which is neutral and polar, at codon 35 of the NPPA protein (p.Ala35Thr). This variant is present in population databases (rs202145205, gnomAD 0.02%). This variant has not been reported in the literature in individuals affected with NPPA-related conditions. ClinVar contains an entry for this variant (Variation ID: 938596). An algorithm developed to predict the effect of missense changes on protein structure and function outputs the following: PolyPhen-2: "Benign". The threonine amino acid residue is found in multiple mammalian species, which suggests that this missense change does not adversely affect protein function. In summary, the available evidence is currently insufficient to determine the role of this variant in disease. Therefore, it has been classified as a Variant of Uncertain Significance.

PreventionGenetics, part of Exact Sciences
Classification: Uncertain significance for NPPA-related condition. Last evaluated: 2023-03-24. Review status: criteria provided, single submitter. Criteria: ACMG Guidelines, 2015. Collection method: clinical testing. Allele origin: germline.
Comment: The NPPA c.103G>A variant is predicted to result in the amino acid substitution p.Ala35Thr. To our knowledge, this variant has not been reported in the literature. This variant is reported in 0.016% of alleles in individuals of South Asian descent in gnomAD. At this time, the clinical significance of this variant is uncertain due to the absence of conclusive functional and genetic evidence.